The following is an entry in ClinVar:

ClinVar aggregate classification (germline): Uncertain significance (1 of 4 stars; one submission).

Conditions:
Zellweger spectrum disorders (ZS). Also called: Zellweger Spectrum Disorder; Zellweger syndrome; Zellweger Spectrum Disorder (ZSD); Zellweger Spectrum. Identifiers: Orphanet 912, MedGen C0043459, MONDO:0019609.

Allele frequency attached by ClinVar (database versions not stated): TOPMed 0.00001; gnomAD 0.00002; gnomAD exomes 0.00002; ExAC 0.00003; 1000 Genomes Project 30x 0.00031; 1000 Genomes Project 0.00040.
gnomAD v4.1: 28 of 1,546,544 alleles (0.0018%); highest among the groups gnomAD compares: South Asian, 0.034%; 2 homozygotes.

Submission:

Labcorp Genetics (formerly Invitae), Labcorp
Classification: Uncertain significance for Zellweger spectrum disorders. Last evaluated: 2021-09-17. Review status: criteria provided, single submitter. Criteria: Invitae Variant Classification Sherloc (09022015). Collection method: clinical testing. Allele origin: germline.
Comment: This sequence change replaces asparagine with serine at codon 229 of the PEX1 protein (p.Asn229Ser). The asparagine residue is weakly conserved and there is a small physicochemical difference between asparagine and serine. This variant is present in population databases (rs549831908, ExAC 0.03%). This variant has not been reported in the literature in individuals with PEX1-related conditions. Advanced modeling of protein sequence and biophysical properties (such as structural, functional, and spatial information, amino acid conservation, physicochemical variation, residue mobility, and thermodynamic stability) performed at Invitae indicates that this missense variant is not expected to disrupt PEX1 protein function. In summary, the available evidence is currently insufficient to determine the role of this variant in disease. Therefore, it has been classified as a Variant of Uncertain Significance.

NM_000466.3(PEX1):c.686A>G (p.Asn229Ser)

Gene: PEX1 (peroxisomal biogenesis factor 1; minus strand). Cytogenetic location: 7q21.2.
Variant type: single nucleotide variant.
Coding change: c.686A>G on transcript NM_000466.3 (MANE Select); coding-DNA position 686, A replaced by G.
Protein change: p.Asn229Ser; replaces asparagine 229 with serine.
Molecular consequence: missense variant.
Genome position (GRCh38, 1-based): chr7:92,517,829, T>C on the plus strand (A>G on the coding strand, the complement: PEX1 is on the minus strand). VCF-style: chr7-92517829-T-C. GRCh37 (hg19) VCF-style: chr7-92147143-T-C.
Other names: c.686A>G, p.Asn229Ser (NM_001282677.2); c.62A>G, p.Asn21Ser (NM_001282678.2); short protein forms N21S, N229S.
Identifiers: ClinVar variation 1986489 (VCV001986489.1), dbSNP rs549831908, ClinGen allele CA4341558.
Genomic context (GRCh38, chr7:92,517,829, plus strand): 5'-ATCATAGTCCATAAACTTGCTACTGATGATGAGTCAACTGGAATCTCTGACTCGTTTTCA[T>C]TAGATTCAGTGATTCCCACAGTATTTGACTGAAGTTGCTTGGTTTGAAGTTCTTTCATCA-3'
Protein context (NP_000457.1, residues 219-239): QSNTVGITES[Asn229Ser]ENESEIPVDS